The following is an entry in ClinVar:

ClinVar aggregate classification (germline): Uncertain significance (1 of 4 stars; one submission).

Conditions:
CREBBP-related disorder. Also called: CREBBP-related disorders; CREBBP-related condition.

Submission:

PreventionGenetics, part of Exact Sciences
Classification: Uncertain significance for CREBBP-related condition. Last evaluated: 2026-05-18. Review status: criteria provided, single submitter. Criteria: ACMG Guidelines, 2015. Collection method: clinical testing. Allele origin: germline.
Comment: The CREBBP c.6053C>T variant is predicted to result in the amino acid substitution p.Pro2018Leu. To our knowledge, this variant has not been reported in the literature or in a large population database (gnomAD), indicating this variant is rare. At this time, the clinical significance of this variant is uncertain due to the absence of conclusive functional and genetic evidence.

NM_004380.3(CREBBP):c.6053C>T (p.Pro2018Leu)

Gene: CREBBP (CREB binding lysine acetyltransferase; minus strand). Cytogenetic location: 16p13.3.
Variant type: single nucleotide variant.
Coding change: c.6053C>T on transcript NM_004380.3 (MANE Select); coding-DNA position 6053, C replaced by T.
Protein change: p.Pro2018Leu; replaces proline 2018 with leucine.
Molecular consequence: missense variant.
Genome position (GRCh38, 1-based): chr16:3,728,994, G>A on the plus strand (C>T on the coding strand, the complement: CREBBP is on the minus strand). VCF-style: chr16-3728994-G-A. GRCh37 (hg19) VCF-style: chr16-3778995-G-A.
Other names: c.5939C>T, p.Pro1980Leu (NM_001079846.1); short protein forms P1980L, P2018L.
Identifiers: ClinVar variation 4978540 (VCV004978540.1).
Genomic context (GRCh38, chr16:3,728,994, plus strand): 5'-GGCCTGGGCAAGCCTGGCATGGGCTGCTGCTGGGGAAGGGGCGCCTGCTGCCACTGCCCG[G>A]GAGGCATGCTGGGCATGACGGGCCCGCTCACCTGGTTGGGTCGGGGCACATTCAGGCTCA-3'
Protein context (NP_004371.2, residues 2008-2028): VSGPVMPSMP[Pro2018Leu]GQWQQAPLPQ